The following is an entry in ClinVar:

ClinVar aggregate classification (germline): Likely pathogenic (1 of 4 stars; one submission).

Conditions:
Vitelliform macular dystrophy 3 (VMD3). Also called: PRPH2 vitelliform macular dystrophy; vitelliform macular dystrophy caused by mutation in PRPH2. Identifiers: MedGen CN295869, MONDO:0024561, OMIM 608161.

Submission:

DBGen Ocular Genomics
Classification: Likely pathogenic for Vitelliform macular dystrophy 3. Last evaluated: 2023-01-01. Review status: criteria provided, single submitter. Criteria: ACMG Guidelines, 2015. Collection method: clinical testing. Allele origin: unknown. Inheritance: Autosomal dominant inheritance. Affected: yes.
Comment: Class 4 ACMG Guidelines, 2015 (PMID:25741868)

NM_000322.5(PRPH2):c.530T>G (p.Ile177Ser)

Gene: PRPH2 (peripherin 2; minus strand). Cytogenetic location: 6p21.1.
Variant type: single nucleotide variant.
Coding change: c.530T>G on transcript NM_000322.5 (MANE Select); coding-DNA position 530, T replaced by G.
Protein change: p.Ile177Ser; replaces isoleucine 177 with serine.
Molecular consequence: missense variant.
Genome position (GRCh38, 1-based): chr6:42,721,805, A>C on the plus strand (T>G on the coding strand, the complement: PRPH2 is on the minus strand). VCF-style: chr6-42721805-A-C. GRCh37 (hg19) VCF-style: chr6-42689543-A-C.
Other names: short protein forms I177S.
Identifiers: ClinVar variation 2628022 (VCV002628022.2), dbSNP rs748478593, ClinGen allele CA364137352.
Genomic context (GRCh38, chr6:42,721,805, plus strand): 5'-GCCACTCACTCTTTGACTTCTTTGGAGGAAAAGTCCAGGTAGCGATTGCTGATCCACTGA[A>C]TCTCAAACCAGTCCCGAAAACCGTTGTTGCCGCAGCATTTGAACTCGATCTGCAGCATGT-3'
Protein context (NP_000313.2, residues 167-187): GNNGFRDWFE[Ile177Ser]QWISNRYLDF